The following is an entry in ClinVar:

ClinVar aggregate classification (germline): Uncertain significance. Review status: criteria provided, multiple submitters, no conflicts (2 of 4 stars). 2 submissions from 2 submitters: Uncertain significance (2). Last evaluated 2025-04-30.

Conditions:
Inborn genetic diseases. Identifiers: MedGen C0950123, MeSH D030342.

gnomAD v4.1: 101 of 1,614,184 alleles (0.0063%); highest among the groups gnomAD compares: African/African-American, 0.13%; no homozygotes.

Submissions (2):

GeneDx
Classification: Uncertain significance. Last evaluated: 2025-04-30. Review status: criteria provided, single submitter. Criteria: GeneDx Variant Classification Process June 2021. Collection method: clinical testing. Allele origin: germline. Affected: yes.
Comment: In silico analysis indicates that this missense variant does not alter protein structure/function; Has not been previously published as pathogenic or benign to our knowledge

Ambry Genetics
Classification: Uncertain significance for Inborn genetic diseases. Last evaluated: 2024-09-01. Review status: criteria provided, single submitter. Criteria: Ambry Variant Classification Scheme 2023. Collection method: clinical testing. Allele origin: germline.

NM_006045.3(ATP9A):c.1819G>C (p.Ala607Pro)

Gene: ATP9A (ATPase phospholipid transporting 9A (putative); minus strand). Cytogenetic location: 20q13.2.
Variant type: single nucleotide variant.
Coding change: c.1819G>C on transcript NM_006045.3 (MANE Select); coding-DNA position 1819, G replaced by C.
Protein change: p.Ala607Pro; replaces alanine 607 with proline.
Molecular consequence: missense variant.
Genome position (GRCh38, 1-based): chr20:51,627,626, C>G on the plus strand (G>C on the coding strand, the complement: ATP9A is on the minus strand). VCF-style: chr20-51627626-C-G. GRCh37 (hg19) VCF-style: chr20-50244165-C-G.
Other names: c.1819G>C (NM_006045.2); short protein forms A607P.
Identifiers: ClinVar variation 3460408 (VCV003460408.2).